The following is an entry in ClinVar:

ClinVar aggregate classification (germline): Uncertain significance (1 of 4 stars; one submission).

Conditions:
Cardiovascular phenotype. Identifiers: MedGen CN230736.

gnomAD v4.1: 7 of 1,546,514 alleles (0.00045%); highest among the groups gnomAD compares: Admixed American, 0.002%; no homozygotes.

Submission:

Ambry Genetics
Classification: Uncertain significance for Cardiovascular phenotype. Last evaluated: 2024-03-07. Review status: criteria provided, single submitter. Criteria: Ambry Variant Classification Scheme 2023. Collection method: clinical testing. Allele origin: germline.
Comment: The p.M2974I variant (also known as c.8922G>A), located in coding exon 2 of the ZNF469 gene, results from a G to A substitution at nucleotide position 8922. The methionine at codon 2974 is replaced by isoleucine, an amino acid with highly similar properties. This amino acid position is conserved. In addition, this alteration is predicted to be tolerated by in silico analysis. Based on the available evidence, the clinical significance of this alteration remains unclear.

NM_001367624.2(ZNF469):c.9006G>A (p.Met3002Ile)

Gene: ZNF469 (zinc finger protein 469; plus strand). Cytogenetic location: 16q24.2.
Variant type: single nucleotide variant.
Coding change: c.9006G>A on transcript NM_001367624.2 (MANE Select); coding-DNA position 9006, G replaced by A.
Protein change: p.Met3002Ile; replaces methionine 3002 with isoleucine.
Molecular consequence: missense variant.
Genome position (GRCh38, 1-based): chr16:88,436,476, G>A. VCF-style: chr16-88436476-G-A. GRCh37 (hg19) VCF-style: chr16-88502884-G-A.
Other names: NM_001127464.1:c.8922G>A; short protein forms M3002I.
Identifiers: ClinVar variation 2469043 (VCV002469043.2), dbSNP rs956774576, ClinGen allele CA286384853.